The following is an entry in ClinVar:

NM_000275.3(OCA2):c.407G>A (p.Arg136Gln)

Gene: OCA2 (OCA2 melanosomal transmembrane protein; minus strand). Cytogenetic location: 15q13.1.
Variant type: single nucleotide variant.
Coding change: c.407G>A on transcript NM_000275.3 (MANE Select); coding-DNA position 407, G replaced by A.
Protein change: p.Arg136Gln; replaces arginine 136 with glutamine.
Molecular consequence: missense variant.
Genome position (GRCh38, 1-based): chr15:28,027,979, C>T on the plus strand (G>A on the coding strand, the complement: OCA2 is on the minus strand). VCF-style: chr15-28027979-C-T. GRCh37 (hg19) VCF-style: chr15-28273125-C-T.
Other names: c.407G>A, p.Arg136Gln (NM_001300984.2); short protein forms R136Q.
Identifiers: ClinVar variation 1407904 (VCV001407904.5), dbSNP rs35764631, ClinGen allele CA7439500.

ClinVar aggregate classification (germline): Uncertain significance. Review status: criteria provided, multiple submitters, no conflicts (2 of 4 stars). 2 submissions from 2 submitters: Uncertain significance (2). Last evaluated 2024-09-23.

Allele frequency attached by ClinVar (database versions not stated): gnomAD exomes 0.00002 and 0.00003; ExAC 0.00004; ESP Exome Variant Server 0.00008; TOPMed 0.00008; gnomAD 0.00011; 1000 Genomes Project 30x 0.00031; 1000 Genomes Project 0.00040.
gnomAD v4.1: 58 of 1,614,196 alleles (0.0036%); highest among the groups gnomAD compares: African/African-American, 0.029%; no homozygotes.

Submissions (2):

Labcorp Genetics (formerly Invitae), Labcorp
Classification: Uncertain significance. Last evaluated: 2024-09-23. Review status: criteria provided, single submitter. Criteria: Invitae Variant Classification Sherloc (09022015). Collection method: clinical testing. Allele origin: germline.
Comment: This sequence change replaces arginine, which is basic and polar, with glutamine, which is neutral and polar, at codon 136 of the OCA2 protein (p.Arg136Gln). This variant is present in population databases (rs35764631, gnomAD 0.03%). This variant has not been reported in the literature in individuals affected with OCA2-related conditions. ClinVar contains an entry for this variant (Variation ID: 1407904). Invitae Evidence Modeling of protein sequence and biophysical properties (such as structural, functional, and spatial information, amino acid conservation, physicochemical variation, residue mobility, and thermodynamic stability) indicates that this missense variant is not expected to disrupt OCA2 protein function with a negative predictive value of 95%. In summary, the available evidence is currently insufficient to determine the role of this variant in disease. Therefore, it has been classified as a Variant of Uncertain Significance.

Blueprint Genetics
Classification: Uncertain significance. Last evaluated: 2024-01-12. Review status: criteria provided, single submitter. Criteria: ACMG Guidelines, 2015. Collection method: clinical testing. Allele origin: germline.